The following is an entry in ClinVar:

ClinVar aggregate classification (germline): Likely pathogenic (1 of 4 stars; one submission).

Conditions:
Autosomal dominant Alport syndrome (ATS3A). Also called: ALPORT SYNDROME 3A, AUTOSOMAL DOMINANT; Alport syndrome dominant type; Renal failure and sensorineural hearing loss. Identifiers: Orphanet 63, Orphanet 88918, MedGen C5882663, MONDO:0007086, OMIM 104200.

Submission:

Centre de Génétique Humaine, Institut de Pathologie Et de Génétique
Classification: Likely pathogenic for Autosomal dominant Alport syndrome. Last evaluated: 2026-03-12. Review status: criteria provided, single submitter. Criteria: ACMG Guidelines, 2015. Collection method: clinical testing. Allele origin: germline. Inheritance: Autosomal dominant inheritance. Affected: yes. Observed: 1 variant allele, 1 heterozygote. Segregation with disease observed.
Comment: This missense variant involves a highly conserved glycine located in a ‘Gly-X-Y’ motif in collagenous region, which is characteristic of the pathogenic variants identified in the COL4A3 gene (PM1,PP2). This variant is rare: absent in gnomAD v4.1.0 database (PM2); In silico analysis supports that this missense variant has a deleterious effect (PP3).

NM_000091.5(COL4A3):c.3053G>T (p.Gly1018Val)

Genes: COL4A3 (collagen type IV alpha 3 chain; plus strand), MFF-DT (MFF divergent transcript; minus strand). Cytogenetic location: 2q36.3.
Variant type: single nucleotide variant.
Coding change: c.3053G>T on transcript NM_000091.5 (MANE Select); coding-DNA position 3053, G replaced by T.
Protein change: p.Gly1018Val; replaces glycine 1018 with valine.
Molecular consequence: missense variant.
Genome position (GRCh38, 1-based): chr2:227,290,071, G>T. VCF-style: chr2-227290071-G-T. GRCh37 (hg19) VCF-style: chr2-228154787-G-T.
Other names: p.(Gly1018Val); short protein forms G1018V.
Identifiers: ClinVar variation 4853861 (VCV004853861.1).